The following is an entry in ClinVar:

ClinVar aggregate classification (germline): Uncertain significance. Review status: criteria provided, multiple submitters, no conflicts (2 of 4 stars). 2 submissions from 2 submitters: Uncertain significance (2). Last evaluated 2019-06-19.

Conditions:
Familial thoracic aortic aneurysm and aortic dissection (TAAD). Also called: Thoracic aortic aneurysms and dissections. Identifiers: Orphanet 91387, MedGen C4707243, MONDO:0019625.
Marfan syndrome (MFS). Also called: FBN1-Related Marfan Syndrome; Marfan's syndrome; MARFAN SYNDROME, TYPE I; Marfan syndrome type 1; Marfan syndrome, classic. Identifiers: Orphanet 284963, Orphanet 558, MedGen C0024796, MONDO:0007947, OMIM 154700.

Allele frequency attached by ClinVar (database versions not stated): gnomAD exomes below 0.00001.
gnomAD v4.1: 1 of 1,614,092 alleles (0.000062%); highest among the groups gnomAD compares: Non-Finnish European, 0.000085%; no homozygotes.

Submissions (2):

Blueprint Genetics
Classification: Uncertain significance. Last evaluated: 2019-06-19. Review status: criteria provided, single submitter. Criteria: ACMG Guidelines, 2015. Collection method: clinical testing. Allele origin: germline.

Labcorp Genetics (formerly Invitae), Labcorp
Classification: Uncertain significance for Marfan syndrome; Familial thoracic aortic aneurysm and aortic dissection. Last evaluated: 2019-02-13. Review status: criteria provided, single submitter. Criteria: Invitae Variant Classification Sherloc (09022015). Collection method: clinical testing. Allele origin: germline.
Comment: In summary, the available evidence is currently insufficient to determine the role of this variant in disease. Therefore, it has been classified as a Variant of Uncertain Significance. Algorithms developed to predict the effect of missense changes on protein structure and function are either unavailable or do not agree on the potential impact of this missense change (SIFT: "Deleterious"; PolyPhen-2: "Possibly Damaging"; Align-GVGD: "Class C0"). This variant has not been reported in the literature in individuals with FBN1-related conditions. This variant is not present in population databases (ExAC no frequency). This sequence change replaces isoleucine with asparagine at codon 2795 of the FBN1 protein (p.Ile2795Asn). The isoleucine residue is highly conserved and there is a large physicochemical difference between isoleucine and asparagine.

NM_000138.5(FBN1):c.8384T>A (p.Ile2795Asn)

Gene: FBN1 (fibrillin 1; minus strand). Cytogenetic location: 15q21.1.
Variant type: single nucleotide variant.
Coding change: c.8384T>A on transcript NM_000138.5 (MANE Select); coding-DNA position 8384, T replaced by A.
Protein change: p.Ile2795Asn; replaces isoleucine 2795 with asparagine.
Molecular consequence: missense variant.
Genome position (GRCh38, 1-based): chr15:48,411,222, A>T on the plus strand (T>A on the coding strand, the complement: FBN1 is on the minus strand). VCF-style: chr15-48411222-A-T. GRCh37 (hg19) VCF-style: chr15-48703419-A-T.
Other names: short protein forms I2795N.
Identifiers: ClinVar variation 848113 (VCV000848113.10), dbSNP rs2042859661, ClinGen allele CA392319276.